The following is an entry in ClinVar:

ClinVar aggregate classification (germline): Likely benign. Review status: criteria provided, single submitter (1 of 4 stars). 2 submissions from 2 submitters: Likely benign (1). 1 of the submissions does not count toward it. Last evaluated 2025-10-15.

Conditions:
PHGDH-related disorder. Also called: PHGDH-related condition.
PHGDH deficiency. Identifiers: Orphanet 79351, MedGen C1866174, MONDO:0011152, OMIM 601815.

Allele frequency attached by ClinVar (database versions not stated): TOPMed 0.00003; gnomAD 0.00005; ExAC 0.00006; ESP Exome Variant Server 0.00008.
gnomAD v4.1: 58 of 1,613,966 alleles (0.0036%); highest among the groups gnomAD compares: Non-Finnish European, 0.0044%; no homozygotes.

Submissions (2):

Labcorp Genetics (formerly Invitae), Labcorp
Classification: Likely benign for PHGDH deficiency. Last evaluated: 2025-10-15. Review status: criteria provided, single submitter. Criteria: Invitae Variant Classification Sherloc (09022015). Collection method: clinical testing. Allele origin: germline.

PreventionGenetics, part of Exact Sciences
Classification: Likely benign for PHGDH-related condition. Last evaluated: 2022-11-21. Review status: no assertion criteria provided. Collection method: clinical testing. Allele origin: germline. Not counted in ClinVar's aggregate classification.
Comment: This variant is classified as likely benign based on ACMG/AMP sequence variant interpretation guidelines (Richards et al. 2015 PMID: 25741868, with internal and published modifications).

NM_006623.4(PHGDH):c.372G>A (p.Ala124=)

Gene: PHGDH (phosphoglycerate dehydrogenase; plus strand). Cytogenetic location: 1p12.
Variant type: single nucleotide variant.
Coding change: c.372G>A on transcript NM_006623.4 (MANE Select); coding-DNA position 372, G replaced by A.
Protein change: p.Ala124=; no amino-acid change (alanine 124 retained).
Molecular consequence: synonymous variant.
Genome position (GRCh38, 1-based): chr1:119,726,866, G>A. VCF-style: chr1-119726866-G-A. GRCh37 (hg19) VCF-style: chr1-120269489-G-A.
Identifiers: ClinVar variation 292308 (VCV000292308.18), dbSNP rs146740411, ClinGen allele CA1037065.